The following is an entry in ClinVar:

NM_005445.4(SMC3):c.3007C>T (p.Arg1003Cys)

Gene: SMC3 (structural maintenance of chromosomes 3; plus strand). Cytogenetic location: 10q25.2.
Variant type: single nucleotide variant.
Coding change: c.3007C>T on transcript NM_005445.4 (MANE Select); coding-DNA position 3007, C replaced by T.
Protein change: p.Arg1003Cys; replaces arginine 1003 with cysteine.
Molecular consequence: missense variant.
Genome position (GRCh38, 1-based): chr10:110,602,080, C>T. VCF-style: chr10-110602080-C-T. GRCh37 (hg19) VCF-style: chr10-112361838-C-T.
Other names: short protein forms R1003C.
Identifiers: ClinVar variation 982726 (VCV000982726.11), dbSNP rs1861395935, ClinGen allele CA378394240.

ClinVar aggregate classification (germline): Conflicting classifications of pathogenicity. Review status: criteria provided, conflicting classifications (1 of 4 stars). 2 submissions from 2 submitters: Likely pathogenic (1); Uncertain significance (1). Last evaluated 2025-03-01.

Conditions:
Cornelia de Lange syndrome 3 (CDLS3). Also called: CORNELIA DE LANGE SYNDROME 3 WITH OR WITHOUT MIDLINE BRAIN DEFECTS; SMC3-Related Cornelia de Lange Syndrome. Identifiers: Orphanet 199, MedGen C1853099, MONDO:0012555, OMIM 610759.

Submissions (2):

CeGaT Center for Human Genetics Tuebingen
Classification: Uncertain significance. Last evaluated: 2025-03-01. Review status: criteria provided, single submitter. Criteria: CeGaT Center For Human Genetics Tuebingen Variant Classification Criteria Version 2. Collection method: clinical testing. Allele origin: germline. Affected: yes. Observed: 1 variant allele.
Comment: SMC3: PM2, PP2, PP3, PS2:Supporting

Institute of Human Genetics, University of Leipzig Medical Center
Classification: Likely pathogenic for Cornelia de Lange syndrome 3. Last evaluated: 2022-12-06. Review status: criteria provided, single submitter. Criteria: ACMG Guidelines, 2015. Collection method: clinical testing. Allele origin: de novo. Inheritance: Autosomal dominant inheritance. Affected: yes.
Comment: Criteria applied: PS2, PM2_SUP, PP2, PP3